The following is an entry in ClinVar:

ClinVar aggregate classification (germline): Uncertain significance (1 of 4 stars; one submission).

Conditions:
Congenital heart defects, multiple types, 9 (CHTD9). Identifiers: MedGen C5830367, MONDO:0859532, OMIM 620294.

Submission:

Clinical Genomics Laboratory, Washington University in St. Louis
Classification: Uncertain significance for Congenital heart defects, multiple types, 9. Last evaluated: 2026-01-26. Review status: criteria provided, single submitter. Criteria: ACMG Guidelines, 2015. Collection method: clinical testing. Allele origin: germline.
Comment: The PLXND1 c.5198C>T (p.Pro1733Leu) variant, to our knowledge, has not been reported in the medical literature. This variant is absent from the general population (gnomAD v4.1.0), indicating it is not a common variant. Computational predictors are uncertain as to the impact of this variant on PLXND1 function. Due to limited information, and based on ACMG/AMP guidelines for variant interpretation (Richards S et al., PMID: 25741868), the clinical significance of this variant is uncertain at this time.

NM_015103.3(PLXND1):c.5198C>T (p.Pro1733Leu)

Gene: PLXND1 (plexin D1; minus strand). Cytogenetic location: 3q22.1.
Variant type: single nucleotide variant.
Coding change: c.5198C>T on transcript NM_015103.3 (MANE Select); coding-DNA position 5198, C replaced by T.
Protein change: p.Pro1733Leu; replaces proline 1733 with leucine.
Molecular consequence: missense variant.
Genome position (GRCh38, 1-based): chr3:129,559,719, G>A on the plus strand (C>T on the coding strand, the complement: PLXND1 is on the minus strand). VCF-style: chr3-129559719-G-A. GRCh37 (hg19) VCF-style: chr3-129278562-G-A.
Other names: short protein forms P1733L.
Identifiers: ClinVar variation 4879485 (VCV004879485.1).
Genomic context (GRCh38, chr3:129,559,719, plus strand): 5'-ATTCCCCTCTTCTCAGCCTGCTCCTCCAGGAAGTCGAAAAAGTACTTGACAGCCAGTGGG[G>A]GCTTGTCTTCACGGATACTCAGAATGGCCTTGAACAGGTCATCCAGAAACTTCTGCAACG-3'
Protein context (NP_055918.3, residues 1723-1743): KAILSIREDK[Pro1733Leu]PLAVKYFFDF